The following is an entry in ClinVar:

ClinVar aggregate classification (germline): Uncertain significance. Review status: criteria provided, multiple submitters, no conflicts (2 of 4 stars). 2 submissions from 2 submitters: Uncertain significance (2). Last evaluated 2025-03-20.

Conditions:
Cardiovascular phenotype. Identifiers: MedGen CN230736.

gnomAD v4.1: 2 of 1,540,462 alleles (0.00013%); highest among the groups gnomAD compares: Non-Finnish European, 0.000087%; no homozygotes.

Submissions (2):

Ambry Genetics
Classification: Uncertain significance for Cardiovascular phenotype. Last evaluated: 2025-03-20. Review status: criteria provided, single submitter. Criteria: Ambry Variant Classification Scheme 2023. Collection method: clinical testing. Allele origin: germline.

Women's Health and Genetics/Laboratory Corporation of America, LabCorp
Classification: Uncertain significance. Last evaluated: 2025-03-19. Review status: criteria provided, single submitter. Criteria: LabCorp Variant Classification Summary - May 2015. Collection method: clinical testing. Allele origin: germline.
Comment: Variant summary: TBX1 c.1333G>A (p.Gly445Ser) results in a non-conservative amino acid change in the encoded protein sequence. Three of five in-silico tools predict a damaging effect of the variant on protein function. The frequency data for this variant in gnomAD is considered unreliable, as metrics indicate poor data quality at this position. To our knowledge, no occurrence of c.1333G>A in individuals affected with TBX1-Related Disorders and no experimental evidence demonstrating its impact on protein function have been reported. No submitters have cited clinical-significance assessments for this variant to ClinVar. Based on the evidence outlined above, the variant was classified as uncertain significance.

NM_001379200.1(TBX1):c.1360G>A (p.Gly454Ser)

Gene: TBX1 (T-box transcription factor 1; plus strand). Cytogenetic location: 22q11.21.
Variant type: single nucleotide variant.
Coding change: c.1360G>A on transcript NM_001379200.1 (MANE Select); coding-DNA position 1360, G replaced by A.
Protein change: p.Gly454Ser; replaces glycine 454 with serine.
Molecular consequence: missense variant. On other transcripts: intron variant (2).
Genome position (GRCh38, 1-based): chr22:19,766,712, G>A. VCF-style: chr22-19766712-G-A. GRCh37 (hg19) VCF-style: chr22-19754235-G-A.
Other names: c.1333G>A, p.Gly445Ser (NM_080647.1); c.1009+710G>A (NM_005992.1, NM_080646.2); short protein forms G445S, G454S.
Identifiers: ClinVar variation 3896082 (VCV003896082.2).
Genomic context (GRCh38, chr22:19,766,712, plus strand): 5'-CACTATCTCGGGGCCAAGAGCCGGCCGGCGCCCTACCCGCTGCCCGGCCTGCGTGGCCAC[G>A]GCTACCACCCGCACGCGCATCCGCACCACCACCACCACCCCGTGAGTCCAGCCGCCGCGG-3'
Protein context (NP_001366129.1, residues 444-464): PYPLPGLRGH[Gly454Ser]YHPHAHPHHH